The following is an entry in ClinVar:

ClinVar aggregate classification (germline): Benign/Likely benign. Review status: criteria provided, multiple submitters, no conflicts (2 of 4 stars). 4 submissions from 4 submitters: Benign (1); Likely benign (3). Last evaluated 2026-07-23.

Conditions:
Hereditary cancer-predisposing syndrome. Also called: Hereditary Cancer Syndrome; Tumor predisposition; Hereditary neoplastic syndrome; Neoplastic Syndromes, Hereditary. Identifiers: Orphanet 140162, MedGen C0027672, MeSH D009386, MONDO:0015356.
Rhabdoid tumor predisposition syndrome 2 (RTPS2). Identifiers: Orphanet 231108, Orphanet 69077, MedGen C2750074, MONDO:0013224, OMIM 613325.

Allele frequency attached by ClinVar (database versions not stated): gnomAD exomes below 0.00001 and 0.00001; TOPMed 0.00007; 1000 Genomes Project 0.00020; gnomAD 0.00005 and 0.00004; 1000 Genomes Project 30x 0.00016; ESP Exome Variant Server 0.00008; ExAC 0.00002.
gnomAD v4.1: 12 of 1,614,118 alleles (0.00074%); highest among the groups gnomAD compares: African/African-American, 0.015%; no homozygotes.

Submissions (4):

Myriad Genetics, Inc.
Classification: Benign for Rhabdoid tumor predisposition syndrome 2. Last evaluated: 2026-07-23. Review status: criteria provided, single submitter. Criteria: Myriad Autosomal Dominant, Autosomal Recessive and X-Linked Classification Criteria (2023). Collection method: clinical testing. Allele origin: unknown.
Comment: This variant is considered benign. This variant is a silent/synonymous amino acid change and it is not expected to impact splicing.

Labcorp Genetics (formerly Invitae), Labcorp
Classification: Likely benign for Rhabdoid tumor predisposition syndrome 2. Last evaluated: 2025-11-19. Review status: criteria provided, single submitter. Criteria: Invitae Variant Classification Sherloc (09022015). Collection method: clinical testing. Allele origin: germline.

Sema4
Classification: Likely benign for Hereditary cancer-predisposing syndrome. Last evaluated: 2021-10-09. Review status: criteria provided, single submitter. Criteria: Sema4 Curation Guidelines. Collection method: curation. Allele origin: germline.

Ambry Genetics
Classification: Likely benign for Hereditary cancer-predisposing syndrome. Last evaluated: 2016-09-29. Review status: criteria provided, single submitter. Criteria: Ambry Variant Classification Scheme 2023. Collection method: clinical testing. Allele origin: germline.

NM_003072.5(SMARCA4):c.4596G>T (p.Leu1532=)

Gene: SMARCA4 (SWI/SNF related BAF chromatin remodeling complex subunit ATPase 4; plus strand). Cytogenetic location: 19p13.2.
Variant type: single nucleotide variant.
Coding change: c.4596G>T on transcript NM_003072.5 (MANE Select); coding-DNA position 4596, G replaced by T.
Protein change: p.Leu1532=; no amino-acid change (leucine 1532 retained).
Molecular consequence: synonymous variant. On other transcripts: non-coding transcript variant (1).
Genome position (GRCh38, 1-based): chr19:11,058,850, G>T. VCF-style: chr19-11058850-G-T. GRCh37 (hg19) VCF-style: chr19-11169526-G-T.
Other names: c.4596G>T, p.Leu1532= (NM_001128844.3); c.4506G>T, p.Leu1502= (NM_001128845.2); c.4503G>T, p.Leu1501= (NM_001128846.2); c.4497G>T, p.Leu1499= (NM_001128847.4, NM_001374457.1); c.4494G>T, p.Leu1498= (NM_001128848.2); c.4692G>T, p.Leu1564= (NM_001128849.3, NM_001387283.1).
Identifiers: ClinVar variation 238480 (VCV000238480.18), dbSNP rs377000132, ClinGen allele CA9204803.